The following is an entry in ClinVar:

ClinVar aggregate classification (germline): Uncertain significance. Review status: criteria provided, multiple submitters, no conflicts (2 of 4 stars). 2 submissions from 2 submitters: Uncertain significance (2). Last evaluated 2024-12-13.

Conditions:
Inborn genetic diseases. Identifiers: MedGen C0950123, MeSH D030342.

Allele frequency attached by ClinVar (database versions not stated): TOPMed below 0.00001; gnomAD 0.00001.
gnomAD v4.1: 1 of 1,208,392 alleles (0.000083%); highest among the groups gnomAD compares: Non-Finnish European, 0.00011%; no homozygotes.

Submissions (2):

Labcorp Genetics (formerly Invitae), Labcorp
Classification: Uncertain significance. Last evaluated: 2024-12-13. Review status: criteria provided, single submitter. Criteria: Invitae Variant Classification Sherloc (09022015). Collection method: clinical testing. Allele origin: germline.
Comment: This sequence change replaces alanine, which is neutral and non-polar, with valine, which is neutral and non-polar, at codon 249 of the CLCN5 protein (p.Ala249Val). This variant is not present in population databases (gnomAD no frequency). This variant has not been reported in the literature in individuals affected with CLCN5-related conditions. ClinVar contains an entry for this variant (Variation ID: 2484046). Invitae Evidence Modeling of protein sequence and biophysical properties (such as structural, functional, and spatial information, amino acid conservation, physicochemical variation, residue mobility, and thermodynamic stability) indicates that this missense variant is not expected to disrupt CLCN5 protein function with a negative predictive value of 80%. In summary, the available evidence is currently insufficient to determine the role of this variant in disease. Therefore, it has been classified as a Variant of Uncertain Significance.

Ambry Genetics
Classification: Uncertain significance for Inborn genetic diseases. Last evaluated: 2023-02-15. Review status: criteria provided, single submitter. Criteria: Ambry Variant Classification Scheme 2023. Collection method: clinical testing. Allele origin: germline.

NM_001127898.4(CLCN5):c.956C>T (p.Ala319Val)

Gene: CLCN5 (chloride voltage-gated channel 5; plus strand). Cytogenetic location: Xp11.23.
Variant type: single nucleotide variant.
Coding change: c.956C>T on transcript NM_001127898.4 (MANE Select); coding-DNA position 956, C replaced by T.
Protein change: p.Ala319Val; replaces alanine 319 with valine.
Molecular consequence: missense variant.
Genome position (GRCh38, 1-based): chrX:50,086,002, C>T. VCF-style: chrX-50086002-C-T. GRCh37 (hg19) VCF-style: chrX-49850659-C-T.
Other names: c.746C>T, p.Ala249Val (NM_000084.5); c.956C>T, p.Ala319Val (NM_001127899.4); c.806C>T, p.Ala269Val (NM_001282163.2); short protein forms A249V, A269V, A319V.
Identifiers: ClinVar variation 2484046 (VCV002484046.5), dbSNP rs1933870664, ClinGen allele CA413184868.